The following is an entry in ClinVar:

NM_000302.4(PLOD1):c.608G>A (p.Arg203His)

Gene: PLOD1 (procollagen-lysine,2-oxoglutarate 5-dioxygenase 1; plus strand). Cytogenetic location: 1p36.22.
Variant type: single nucleotide variant.
Coding change: c.608G>A on transcript NM_000302.4 (MANE Select); coding-DNA position 608, G replaced by A.
Protein change: p.Arg203His; replaces arginine 203 with histidine.
Molecular consequence: missense variant.
Genome position (GRCh38, 1-based): chr1:11,954,858, G>A. VCF-style: chr1-11954858-G-A. GRCh37 (hg19) VCF-style: chr1-12014915-G-A.
Other names: c.749G>A, p.Arg250His (NM_001316320.2); short protein forms R203H, R250H.
Identifiers: ClinVar variation 529351 (VCV000529351.11), dbSNP rs145482271, ClinGen allele CA598007.

ClinVar aggregate classification (germline): Conflicting classifications of pathogenicity. Review status: criteria provided, conflicting classifications (1 of 4 stars). 3 submissions from 3 submitters: Uncertain significance (2); Likely benign (1). Last evaluated 2025-12-24.

Conditions:
Ehlers-Danlos syndrome, kyphoscoliotic type 1 (EDSKSCL1). Also called: EHLERS-DANLOS SYNDROME, OCULAR-SCOLIOTIC TYPE; Ehlers-Danlos syndrome, hydroxylysine-deficient; PLOD1-Related Kyphoscoliotic Ehlers-Danlos Syndrome; EHLERS-DANLOS SYNDROME, TYPE VIA. Identifiers: Orphanet 1900, MedGen C0268342, MONDO:0016002, OMIM 225400. Disease mechanism: loss of function.
Familial thoracic aortic aneurysm and aortic dissection (TAAD). Also called: Thoracic aortic aneurysms and dissections. Identifiers: Orphanet 91387, MedGen C4707243, MONDO:0019625.

Allele frequency attached by ClinVar (database versions not stated): gnomAD exomes 0.00005 and 0.00011; ExAC 0.00015; 1000 Genomes Project 30x 0.00016; 1000 Genomes Project 0.00020; gnomAD 0.00033 and 0.00034; TOPMed 0.00060; ESP Exome Variant Server 0.00092.
gnomAD v4.1: 119 of 1,613,340 alleles (0.0074%); highest among the groups gnomAD compares: African/African-American, 0.13%; no homozygotes.

Submissions (3):

Labcorp Genetics (formerly Invitae), Labcorp
Classification: Likely benign for Ehlers-Danlos syndrome, kyphoscoliotic type 1. Last evaluated: 2025-12-24. Review status: criteria provided, single submitter. Criteria: Invitae Variant Classification Sherloc (09022015). Collection method: clinical testing. Allele origin: germline.

Blueprint Genetics
Classification: Uncertain significance. Last evaluated: 2024-10-28. Review status: criteria provided, single submitter. Criteria: ACMG Guidelines, 2015. Collection method: clinical testing. Allele origin: germline.

Ambry Genetics
Classification: Uncertain significance for Familial thoracic aortic aneurysm and aortic dissection. Last evaluated: 2022-06-02. Review status: criteria provided, single submitter. Criteria: Ambry Variant Classification Scheme 2023. Collection method: clinical testing. Allele origin: germline.
Comment: The p.R203H variant (also known as c.608G>A), located in coding exon 6 of the PLOD1 gene, results from a G to A substitution at nucleotide position 608. The arginine at codon 203 is replaced by histidine, an amino acid with highly similar properties. This amino acid position is well conserved in available vertebrate species. In addition, this alteration is predicted to be tolerated by in silico analysis. Since supporting evidence is limited at this time, the clinical significance of this alteration remains unclear.